The following is an entry in ClinVar:

ClinVar aggregate classification (germline): Pathogenic/Likely pathogenic. Review status: criteria provided, multiple submitters, no conflicts (2 of 4 stars). 12 submissions from 12 submitters: Pathogenic (3); Likely pathogenic (7). 2 of the submissions do not count toward it. Last evaluated 2026-01-13.

Conditions:
Neuropathy, hereditary sensory and autonomic, type 1A (HSAN1A). Also called: NEUROPATHY, HEREDITARY SENSORY AND AUTONOMIC, TYPE IA; SPTLC1-Related Hereditary Sensory Neuropathy; HSAN IA; HSN IA; NEUROPATHY, HEREDITARY SENSORY RADICULAR, AUTOSOMAL DOMINANT, TYPE 1A. Identifiers: MedGen C5235211, MONDO:0008086, OMIM 162400.
SPTLC1-related disorder. Also called: SPTLC1-related condition.
Amyotrophic lateral sclerosis 27, juvenile (ALS27). Identifiers: MedGen C5830359, MONDO:0859529, OMIM 620285.
Charcot-Marie-Tooth disease. Also called: Charcot-Marie-Tooth Neuropathy; Charcot-Marie-Tooth Hereditary Neuropathy. Identifiers: Orphanet 166, MedGen C0007959, MONDO:0015626.
Inborn genetic diseases. Identifiers: MedGen C0950123, MeSH D030342.
Hereditary sensory and autonomic neuropathy type 1 (HSAN1). Also called: HSN Type I; HSAN 1; Hereditary Sensory Neuropathy Type I. Identifiers: Orphanet 36386, MedGen C0020071, MONDO:0018213.

Allele frequency attached by ClinVar (database versions not stated): gnomAD exomes 0.00001; gnomAD 0.00001; TOPMed below 0.00001; ExAC 0.00001.
gnomAD v4.1: 21 of 1,613,686 alleles (0.0013%); highest among the groups gnomAD compares: Non-Finnish European, 0.0018%; no homozygotes.

Submissions (12):

Labcorp Genetics (formerly Invitae), Labcorp
Classification: Pathogenic for Hereditary sensory and autonomic neuropathy type 1. Last evaluated: 2026-01-13. Review status: criteria provided, single submitter. Criteria: Invitae Variant Classification Sherloc (09022015). Collection method: clinical testing. Allele origin: germline.
Comment: This sequence change replaces valine, which is neutral and non-polar, with aspartic acid, which is acidic and polar, at codon 144 of the SPTLC1 protein (p.Val144Asp). This variant is present in population databases (rs119482083, gnomAD 0.002%). This missense change has been observed in individuals with hereditary sensory neuropathy (PMID: 11242114; internal data). ClinVar contains an entry for this variant (Variation ID: 4801). Invitae Evidence Modeling of protein sequence and biophysical properties (such as structural, functional, and spatial information, amino acid conservation, physicochemical variation, residue mobility, and thermodynamic stability) indicates that this missense variant is expected to disrupt SPTLC1 protein function with a positive predictive value of 80%. Experimental studies have shown that this missense change affects SPTLC1 function (PMID: 11242114, 19132419, 24673574, 25584079, 26681808). For these reasons, this variant has been classified as Pathogenic.

GeneDx
Classification: Likely pathogenic. Last evaluated: 2025-12-18. Review status: criteria provided, single submitter. Criteria: GeneDx Variant Classification Process June 2021. Collection method: clinical testing. Allele origin: germline. Affected: yes.
Comment: Reported in multiple individuals with hereditary neuropathy previously tested at GeneDx and in the published literature (PMID: 11242114, 32399692, 27164712); Protein expression studies show that p.(V144D) is associated with changes to the mitochondrial proteins and with structural changes to the mitochondria including electron dense and enlarged cristae (PMID: 24673574, 25584079); Published functional studies demonstrate a damaging effect on SPT activity and calcium regulation (PMID: 19132419, 34986032); In silico analysis supports that this missense variant has a deleterious effect on protein structure/function; This variant is associated with the following publications: (PMID: 30420926, 26681808, 25584079, 33497257, 34986032, 30778062, 34337561, 32730653, 15546589, 26395456, 24175284, 23454272, 30762923, 20920666, 32195206, 32399692, 20301564, 18348718, 25947379, 35895683, 35181405, 35904184, 35899376, 24711860, 20097765, 11781309, 8673084, 37509182, 36997154, 39901509, 24673574, 19132419, 11242114, 27164712)

PreventionGenetics, part of Exact Sciences
Classification: Likely pathogenic for SPTLC1-related condition. Last evaluated: 2025-11-21. Review status: criteria provided, single submitter. Criteria: ACMG Guidelines, 2015. Collection method: clinical testing. Allele origin: germline.
Comment: The SPTLC1 c.431T>A variant is predicted to result in the amino acid substitution p.Val144Asp. This variant has been reported in multiple individuals with hereditary sensory neuropathy (Table 2, Dawkins et al. 2001. PubMed ID: 11242114; Ho and Jerath. 2018. PubMed ID: 30420926; Table 1, Vogt et al. 2020. PubMed ID: 32399692). This variant is reported in 0.0018% of alleles in individuals of European (non-Finnish) descent in gnomAD. In vitro experimental studies suggest this variant decreases enzymatic activity of the protein and negatively regulates the BiP pathway (Hornemann et al. 2009. PubMed ID: 19132419; Myers et al. 2014. PubMed ID: 24673574). This variant is interpreted as pathogenic or likely pathogenic by multiple submitters to ClinVar (ClinVar ID: 4801). In summary, this variant is interpreted as likely pathogenic.

Variantyx, Inc.
Classification: Likely pathogenic for Amyotrophic lateral sclerosis 27, juvenile. Last evaluated: 2025-11-03. Review status: criteria provided, single submitter. Criteria: Variantyx Assertion Criteria 2022. Collection method: clinical testing. Allele origin: germline. Inheritance: Autosomal recessive inheritance.
Comment: This is a nonsynonymous variant in the SPTLC1 gene (OMIM: 605712). Pathogenic variants in this gene have been associated with autosomal dominant juvenile amyotrophic lateral sclerosis-27 (ALS27). This variant has been reported in at least two affected individuals (PMID: 27164712, 32399692) (PS4). Functional studies have shown that this variant alters SPTLC1 protein function (PMID: 19132419, 24673574, 25584079) (PS3), and multiple computational algorithms predict a deleterious effect for this variant (REVEL score: 0.921) (PP3). This variant has a 0.0018% maximum allele frequency in non-founder control populations (PM2). Based on the current evidence, this variant is classified as likely pathogenic for autosomal dominant juvenile amyotrophic lateral sclerosis-27 (ALS27).

ARUP Laboratories, Molecular Genetics and Genomics, ARUP Laboratories
Classification: Likely pathogenic. Last evaluated: 2025-07-08. Review status: criteria provided, single submitter. Criteria: ARUP Molecular Germline Variant Investigation Process 2024. Collection method: clinical testing. Allele origin: germline.
Comment: The SPTLC1 c.431T>A; p.Val144Asp variant (rs119482083; ClinVar Variation ID: 4801) is reported in the literature in several individuals affected with hereditary sensory neuropathy (Dawkins 2001, Ho 2018, Vogt 2020). This variant is found on only two chromosomes (2/250360 alleles) in the Genome Aggregation Database (v2.1.1), indicating it is not a common polymorphism. Computational analyses predict that this variant is deleterious (REVEL: 0.921). Consistent with predictions, functional studies suggest the variant protein has reduced enzymatic activity and is associated with mitochondrial alterations (Hornemann 2009, Myers 2014, Stimpson 2014). Based on available information, this variant is considered to be likely pathogenic. References: Dawkins JL et al. Mutations in SPTLC1, encoding serine palmitoyltransferase, long chain base subunit-1, cause hereditary sensory neuropathy type I. Nat Genet. 2001 Mar;27(3):309-12. PMID 11242114. Ho KWD and Jerath NU. V144D Mutation of SPTLC1 Can Present with Both Painful and Painless Phenotypes in Hereditary Sensory and Autonomic Neuropathies Type I. Case Rep Genet. 2018 Oct 18;2018:1898151. PMID: 30420926. Hornemann T et al., A systematic comparison of all mutations in hereditary sensory neuropathy type I (HSAN I) reveals that the G387A mutation is not disease associated. Neurogenetics. 2009 Apr;10(2):135-43. PMID 19132419. Myers SJ et al., Mutations in the SPTLC1 protein cause mitochondrial structural abnormalities and endoplasmic reticulum stress in lymphoblasts. DNA Cell Biol. 2014 Jul;33(7):399-407. PMID 24673574. Stimpson SE et al., Mitochondrial protein alterations in a familial peripheral neuropathy caused by the V144D amino acid mutation in the sphingolipid protein, SPTLC1. J Chem Biol. 2014 Nov 14;8(1):25-35. PMID 25584079. Vogt B et al. Screening for genetic mutations in patients with neuropathy without definite etiology is useful. J Neurol. 2020 Sep;267(9):2648-2654. PMID: 32399692.

Athena Diagnostics
Classification: Pathogenic. Last evaluated: 2023-06-22. Review status: criteria provided, single submitter. Criteria: Athena Diagnostics Criteria. Collection method: clinical testing. Allele origin: unknown.
Comment: The frequency of this variant in the general population is consistent with pathogenicity. This variant has been identified in multiple unrelated individuals, and segregates with disease in at least one family with HSAN. Assessment of experimental evidence suggests this variant results in abnormal protein function. (PMID: 11781309, 19132419)

Ambry Genetics
Classification: Likely pathogenic for Inborn genetic diseases. Last evaluated: 2022-01-19. Review status: criteria provided, single submitter. Criteria: Ambry Variant Classification Scheme 2023. Collection method: clinical testing. Allele origin: germline.
Comment: The p.V144D variant (also known as c.431T>A), located in coding exon 6 of the SPTLC1 gene, results from a T to A substitution at nucleotide position 431. The valine at codon 144 is replaced by aspartic acid, an amino acid with highly dissimilar properties. The p.V144D alteration has been reported to co-segregate with disease in several families with sensory neuropathy (Nicholson GA et al. Nat. Genet., 1996 May;13:101-4; Dawkins JL et al. Nat. Genet., 2001 Mar;27:309-12; Ho KWD et al. Case Rep Genet, 2018 Oct;2018:1898151; Vogt B et al. J Neurol, 2020 Sep;267:2648-2654). The functional studies of V144D show an impact on mitochondrial structure and protein expression; however, a direct link to the mechanism of pathology is not clear and enzymatic activity studies are conflicting (Hornemann T et al. Neurogenetics, 2009 Apr;10:135-43; Myers SJ et al. DNA Cell Biol., 2014 Jul;33:399-407; Stimpson SE et al. J Chem Biol, 2015 Jan;8:25-35; Bode H et al. Hum. Mol. Genet., 2016 Mar;25:853-65). This amino acid position is highly conserved in available vertebrate species. In addition, this alteration is predicted to be deleterious by in silico analysis. Based on the majority of available evidence to date, this variant is likely to be pathogenic.

HudsonAlpha Institute for Biotechnology
Classification: Likely pathogenic for Neuropathy, hereditary sensory and autonomic, type 1A. Last evaluated: 2020-05-15. Review status: criteria provided, single submitter. Criteria: ACMG Guidelines, 2015. Collection method: research. Allele origin: maternal. Affected: yes. Observed: 1 variant allele. Study: HudsonAlpha-AGHI-WGS.
Comment: ACMG codes: PS3, PP3, PP5

Fulgent Genetics
Classification: Likely pathogenic for Neuropathy, hereditary sensory and autonomic, type 1A. Last evaluated: 2018-10-31. Review status: criteria provided, single submitter. Criteria: ACMG Guidelines, 2015. Collection method: clinical testing. Allele origin: unknown.

Molecular Genetics Laboratory, London Health Sciences Centre
Classification: Pathogenic for Charcot-Marie-Tooth disease. Review status: criteria provided, single submitter. Criteria: ACMG Guidelines, 2015. Collection method: clinical testing. Allele origin: germline. Affected: yes.

OMIM
Classification: Pathogenic for NEUROPATHY, HEREDITARY SENSORY, TYPE IA. Last evaluated: 2001-03-01. Review status: no assertion criteria provided. Collection method: literature only. Allele origin: germline. Not counted in ClinVar's aggregate classification.

GeneReviews
No classification provided. Condition: Neuropathy, hereditary sensory and autonomic, type 1A. Review status: no classification provided. Collection method: literature only. Allele origin: unknown. Not counted in ClinVar's aggregate classification.

Literature cited by the submitters: PubMed 11242114 (cited by 4 submitters); PubMed 19132419 (cited by 4 submitters); PubMed 24673574 (cited by 3 submitters); PubMed 25584079 (cited by 4 submitters); PubMed 26681808 (cited by 4 submitters); PubMed 27164712 (cited by Variantyx, Inc. and Athena Diagnostics); PubMed 32399692 (cited by Athena Diagnostics and Ambry Genetics); PubMed 30420926 (cited by Athena Diagnostics and Ambry Genetics); PubMed 8673084 (cited by Athena Diagnostics and Ambry Genetics); PubMed 24711860 (cited by Athena Diagnostics); PubMed 20097765 (cited by Athena Diagnostics); PubMed 11781309 (cited by Athena Diagnostics); PubMed 34986032 (cited by OMIM); PubMed 20301564 (cited by GeneReviews); NCBI Bookshelf NBK1390 (cited by GeneReviews).

NM_006415.4(SPTLC1):c.431T>A (p.Val144Asp)

Gene: SPTLC1 (serine palmitoyltransferase long chain base subunit 1; minus strand). Cytogenetic location: 9q22.31.
Variant type: single nucleotide variant.
Coding change: c.431T>A on transcript NM_006415.4 (MANE Select); coding-DNA position 431, T replaced by A.
Protein change: p.Val144Asp; replaces valine 144 with aspartic acid.
Molecular consequence: missense variant. On other transcripts: 5 prime UTR variant (1).
Genome position (GRCh38, 1-based): chr9:92,068,095, A>T on the plus strand (T>A on the coding strand, the complement: SPTLC1 is on the minus strand). VCF-style: chr9-92068095-A-T. GRCh37 (hg19) VCF-style: chr9-94830377-A-T.
Other names: c.431T>A, p.Val144Asp (NM_001281303.2, LRG_272t1); c.65T>A, p.Val22Asp (NM_001368272.1); c.-35T>A (NM_001368273.1); short protein forms V144D, V22D.
Identifiers: ClinVar variation 4801 (VCV000004801.36), dbSNP rs119482083, ClinGen allele CA340288.